The following is an entry in ClinVar:

ClinVar aggregate classification (germline): Uncertain significance (1 of 4 stars; one submission).

Conditions:
Inborn genetic diseases. Identifiers: MedGen C0950123, MeSH D030342.

Submission:

Ambry Genetics
Classification: Uncertain significance for Inborn genetic diseases. Last evaluated: 2022-01-11. Review status: criteria provided, single submitter. Criteria: Ambry Variant Classification Scheme 2023. Collection method: clinical testing. Allele origin: germline.
Comment: The p.R1165C variant (also known as c.3493C>T), located in coding exon 25 of the LTBP3 gene, results from a C to T substitution at nucleotide position 3493. The arginine at codon 1165 is replaced by cysteine, an amino acid with highly dissimilar properties. This amino acid position is conserved. In addition, this alteration is predicted to be deleterious by in silico analysis. Since supporting evidence is limited at this time, the clinical significance of this alteration remains unclear.

NM_001130144.3(LTBP3):c.3493C>T (p.Arg1165Cys)

Gene: LTBP3 (latent transforming growth factor beta binding protein 3; minus strand). Cytogenetic location: 11q13.1.
Variant type: single nucleotide variant.
Coding change: c.3493C>T on transcript NM_001130144.3 (MANE Select); coding-DNA position 3493, C replaced by T.
Protein change: p.Arg1165Cys; replaces arginine 1165 with cysteine.
Molecular consequence: missense variant.
Genome position (GRCh38, 1-based): chr11:65,539,774, G>A on the plus strand (C>T on the coding strand, the complement: LTBP3 is on the minus strand). VCF-style: chr11-65539774-G-A. GRCh37 (hg19) VCF-style: chr11-65307245-G-A.
Other names: c.3001C>T, p.Arg1001Cys (NM_001164266.1); c.3352C>T, p.Arg1118Cys (NM_021070.4); short protein forms R1118C, R1001C, R1165C.
Identifiers: ClinVar variation 1731965 (VCV001731965.2), dbSNP rs2496116443, ClinGen allele CA381266760.